The following is an entry in ClinVar:

ClinVar aggregate classification (germline): Uncertain significance (1 of 4 stars; one submission).

Submission:

Ambry Genetics
Classification: Uncertain significance. Last evaluated: 2020-08-20. Review status: criteria provided, single submitter. Criteria: Ambry Variant Classification Scheme 2023. Collection method: clinical testing. Allele origin: germline.
Comment: The p.Y145* variant (also known as c.435T>A), located in coding exon 2 of the GALNT12 gene, results from a T to A substitution at nucleotide position 435. This changes the amino acid from a tyrosine to a stop codon within coding exon 2. This alteration is expected to result in loss of function by premature protein truncation or nonsense-mediated mRNA decay. However, the gene-disease association for GALNT12 is limited. Since supporting evidence is limited at this time, the clinical significance of this alteration remains unclear.

NM_024642.5(GALNT12):c.435T>A (p.Tyr145Ter)

Gene: GALNT12 (polypeptide N-acetylgalactosaminyltransferase 12; plus strand). Cytogenetic location: 9q22.33.
Variant type: single nucleotide variant.
Coding change: c.435T>A on transcript NM_024642.5 (MANE Select); coding-DNA position 435, T replaced by A.
Protein change: p.Tyr145Ter; replaces tyrosine 145 with a stop codon.
Molecular consequence: nonsense.
Genome position (GRCh38, 1-based): chr9:98,823,319, T>A. VCF-style: chr9-98823319-T-A. GRCh37 (hg19) VCF-style: chr9-101585601-T-A.
Other names: short protein forms Y145*.
Identifiers: ClinVar variation 1740005 (VCV001740005.2), dbSNP rs2490492259, ClinGen allele CA374216691.